The following is an entry in ClinVar:

ClinVar aggregate classification (germline): Likely benign. Review status: criteria provided, multiple submitters, no conflicts (2 of 4 stars). 4 submissions from 4 submitters: Likely benign (4). Last evaluated 2026-01-31.

Conditions:
BAP1-related tumor predisposition syndrome (TPDS1). Also called: BAP1 tumor predisposition syndrome; COMMON Syndrome; TUMOR PREDISPOSITION SYNDROME 1; Tumor susceptibility linked to germline BAP1 mutations. Identifiers: Orphanet 289539, MedGen C3280492, MONDO:0013692, OMIM 614327.
Kury-Isidor syndrome (KURIS). Identifiers: MedGen C5676925, MONDO:0859230, OMIM 619762.
Hereditary cancer-predisposing syndrome. Also called: Neoplastic Syndromes, Hereditary; Tumor predisposition; Hereditary Cancer Syndrome; Hereditary neoplastic syndrome. Identifiers: Orphanet 140162, MedGen C0027672, MeSH D009386, MONDO:0015356.

Allele frequency attached by ClinVar (database versions not stated): gnomAD exomes below 0.00001; ExAC 0.00001; gnomAD 0.00002 and 0.00003; TOPMed 0.00002; 1000 Genomes Project 30x 0.00016; 1000 Genomes Project 0.00020.
gnomAD v4.1: 19 of 1,612,792 alleles (0.0012%); highest among the groups gnomAD compares: African/African-American, 0.016%; no homozygotes.

Submissions (4):

Labcorp Genetics (formerly Invitae), Labcorp
Classification: Likely benign for BAP1-related tumor predisposition syndrome. Last evaluated: 2026-01-31. Review status: criteria provided, single submitter. Criteria: Invitae Variant Classification Sherloc (09022015). Collection method: clinical testing. Allele origin: germline.

Myriad Genetics, Inc.
Classification: Likely benign for BAP1-related tumor predisposition syndrome. Last evaluated: 2024-07-15. Review status: criteria provided, single submitter. Criteria: Myriad Autosomal Dominant, Autosomal Recessive and X-Linked Classification Criteria (2023). Collection method: clinical testing. Allele origin: unknown.
Comment: This variant is considered likely benign. This variant is intronic and is not expected to impact mRNA splicing.

Fulgent Genetics
Classification: Likely benign for BAP1-related tumor predisposition syndrome; Kury-Isidor syndrome. Last evaluated: 2022-05-24. Review status: criteria provided, single submitter. Criteria: ACMG Guidelines, 2015. Collection method: clinical testing. Allele origin: unknown.

Color Diagnostics, LLC DBA Color Health
Classification: Likely benign for Hereditary cancer-predisposing syndrome. Last evaluated: 2016-06-30. Review status: criteria provided, single submitter. Criteria: ACMG Guidelines, 2015. Collection method: clinical testing. Allele origin: germline.

NM_004656.4(BAP1):c.931+8G>A

Gene: BAP1 (BRCA1 associated deubiquitinase 1; minus strand). Cytogenetic location: 3p21.1.
Variant type: single nucleotide variant.
Coding change: c.931+8G>A on transcript NM_004656.4 (MANE Select); 8 bases into the intron after coding-DNA position 931, G replaced by A.
Molecular consequence: intron variant.
Genome position (GRCh38, 1-based): chr3:52,405,757, C>T on the plus strand (G>A on the coding strand, the complement: BAP1 is on the minus strand). VCF-style: chr3-52405757-C-T. GRCh37 (hg19) VCF-style: chr3-52439773-C-T.
Identifiers: ClinVar variation 472719 (VCV000472719.14), dbSNP rs573724882, ClinGen allele CA2436970.
Genomic context (GRCh38, chr3:52,405,757, plus strand): 5'-TAGGCCTCCCATGTCAGACATTAGCGGGTGGCTCTGAGGTCCACAAGAGGTCCCAAACCC[C>T]CCAGTACCTGTGTGGTTGCCCTCAGAGGCTGCAGGGGCCCTGTTTGCTTCCAGCACCAGC-3'